The following is an entry in ClinVar:

ClinVar aggregate classification (germline): Uncertain significance (1 of 4 stars; one submission).

Conditions:
Hereditary cancer-predisposing syndrome. Also called: Tumor predisposition; Hereditary neoplastic syndrome; Neoplastic Syndromes, Hereditary; Hereditary Cancer Syndrome. Identifiers: Orphanet 140162, MedGen C0027672, MeSH D009386, MONDO:0015356.

Submission:

Ambry Genetics
Classification: Uncertain significance for Hereditary cancer-predisposing syndrome. Last evaluated: 2025-06-07. Review status: criteria provided, single submitter. Criteria: Ambry Variant Classification Scheme 2023. Collection method: clinical testing. Allele origin: germline.
Comment: The p.A1816T variant (also known as c.5446G>A), located in coding exon 24 of the DICER1 gene, results from a G to A substitution at nucleotide position 5446. The alanine at codon 1816 is replaced by threonine, an amino acid with similar properties. This amino acid position is conserved. In addition, the in silico prediction for this alteration is inconclusive. Based on the available evidence, the clinical significance of this variant remains unclear.

NM_177438.3(DICER1):c.5446G>A (p.Ala1816Thr)

Gene: DICER1 (dicer 1, ribonuclease III; minus strand). Cytogenetic location: 14q32.13.
Variant type: single nucleotide variant.
Coding change: c.5446G>A on transcript NM_177438.3 (MANE Select); coding-DNA position 5446, G replaced by A.
Protein change: p.Ala1816Thr; replaces alanine 1816 with threonine.
Molecular consequence: missense variant. On other transcripts: non-coding transcript variant (6), intron variant (1).
Genome position (GRCh38, 1-based): chr14:95,091,284, C>T on the plus strand (G>A on the coding strand, the complement: DICER1 is on the minus strand). VCF-style: chr14-95091284-C-T. GRCh37 (hg19) VCF-style: chr14-95557621-C-T.
Other names: c.5446G>A, p.Ala1816Thr (NM_001271282.3, NM_001291628.2, NM_001395677.1 and 7 more transcripts); c.5164G>A, p.Ala1722Thr (NM_001395686.1); c.5041G>A, p.Ala1681Thr (NM_001395687.1, NM_001395688.1, NM_001395689.1 and 1 more transcripts); c.4879G>A, p.Ala1627Thr (NM_001395691.1); c.3763G>A, p.Ala1255Thr (NM_001395697.1); c.5365-175G>A (NM_001195573.1); short protein forms A1627T, A1255T, A1681T, A1722T, A1816T.
Identifiers: ClinVar variation 4011690 (VCV004011690.1).